The following is an entry in ClinVar:

ClinVar aggregate classification (germline): Uncertain significance (1 of 4 stars; one submission).

gnomAD v4.1: 3 of 1,614,074 alleles (0.00019%); highest among the groups gnomAD compares: African/African-American, 0.0013%; no homozygotes.

Submission:

GeneDx
Classification: Uncertain significance. Last evaluated: 2026-03-31. Review status: criteria provided, single submitter. Criteria: GeneDx Variant Classification Process June 2021. Collection method: clinical testing. Allele origin: germline.
Comment: Not observed at significant frequency in large population cohorts (gnomAD); In silico analysis suggests that this missense variant does not alter protein structure/function; Has not been previously published as pathogenic or benign to our knowledge

NM_001378418.1(TCF20):c.5569G>A (p.Gly1857Ser)

Gene: TCF20 (transcription factor 20; minus strand). Cytogenetic location: 22q13.2.
Variant type: single nucleotide variant.
Coding change: c.5569G>A on transcript NM_001378418.1 (MANE Select); coding-DNA position 5569, G replaced by A.
Protein change: p.Gly1857Ser; replaces glycine 1857 with serine.
Molecular consequence: missense variant.
Genome position (GRCh38, 1-based): chr22:42,209,737, C>T on the plus strand (G>A on the coding strand, the complement: TCF20 is on the minus strand). VCF-style: chr22-42209737-C-T. GRCh37 (hg19) VCF-style: chr22-42605743-C-T.
Other names: c.5569G>A, p.Gly1857Ser (NM_005650.4, NM_181492.3); short protein forms G1857S.
Identifiers: ClinVar variation 5017701 (VCV005017701.1).